The following is an entry in ClinVar:

NM_006904.7(PRKDC):c.5068-3C>T

Gene: PRKDC (protein kinase, DNA-activated, catalytic subunit; minus strand). Cytogenetic location: 8q11.21.
Variant type: single nucleotide variant.
Coding change: c.5068-3C>T on transcript NM_006904.7 (MANE Select); 3 bases into the intron before coding-DNA position 5068, C replaced by T.
Molecular consequence: intron variant.
Genome position (GRCh38, 1-based): chr8:47,879,661, G>A on the plus strand (C>T on the coding strand, the complement: PRKDC is on the minus strand). VCF-style: chr8-47879661-G-A. GRCh37 (hg19) VCF-style: chr8-48792222-G-A.
Other names: c.5068-3C>T (NM_001081640.2).
Identifiers: ClinVar variation 4812247 (VCV004812247.1).
Genomic context (GRCh38, chr8:47,879,661, plus strand): 5'-CCTCCAGACTGCCTCCAGTGAGGCTGGTGAAGAATGGAAGAAGAGTGACAGCTTGGCCCT[G>A]TGGAGCAAGACAGACATAAGAAACTGCACGAATTATGGCTTATATATCCTACAGAATAAA-3'

ClinVar aggregate classification (germline): Uncertain significance (1 of 4 stars; one submission).

Conditions:
Severe combined immunodeficiency due to DNA-PKcs deficiency. Also called: Immunodeficiency 26 with or without neurologic abnormalities; IMMUNODEFICIENCY 26 WITH NEUROLOGIC ABNORMALITIES. Identifiers: Orphanet 317425, MedGen C4014833, MONDO:0014423, OMIM 615966.

gnomAD v4.1: 27 of 1,556,612 alleles (0.0017%); highest among the groups gnomAD compares: South Asian, 0.033%; no homozygotes.

Submission:

Labcorp Genetics (formerly Invitae), Labcorp
Classification: Uncertain significance for Severe combined immunodeficiency due to DNA-PKcs deficiency. Last evaluated: 2025-10-22. Review status: criteria provided, single submitter. Criteria: Invitae Variant Classification Sherloc (09022015). Collection method: clinical testing. Allele origin: germline.
Comment: This sequence change falls in intron 38 of the PRKDC gene. It does not directly change the encoded amino acid sequence of the PRKDC protein. It affects a nucleotide within the consensus splice site. This variant is present in population databases (rs750019730, gnomAD 0.04%). This variant has not been reported in the literature in individuals affected with PRKDC-related conditions. Variants that disrupt the consensus splice site are a relatively common cause of aberrant splicing (PMID: 17576681, 9536098). Algorithms developed to predict the effect of sequence changes on RNA splicing suggest that this variant is not likely to affect RNA splicing. In summary, the available evidence is currently insufficient to determine the role of this variant in disease. Therefore, it has been classified as a Variant of Uncertain Significance.

Literature cited by the submitters: PubMed 17576681; PubMed 9536098.